The following is an entry in ClinVar:

NM_000166.6(GJB1):c.208C>T (p.Pro70Ser)

Gene: GJB1 (gap junction protein beta 1; plus strand). Cytogenetic location: Xq13.1.
Variant type: single nucleotide variant.
Coding change: c.208C>T on transcript NM_000166.6 (MANE Select); coding-DNA position 208, C replaced by T.
Protein change: p.Pro70Ser; replaces proline 70 with serine.
Molecular consequence: missense variant.
Genome position (GRCh38, 1-based): chrX:71,223,915, C>T. VCF-style: chrX-71223915-C-T. GRCh37 (hg19) VCF-style: chrX-70443765-C-T.
Other names: c.208C>T, p.Pro70Ser (NM_001097642.3); short protein forms P70S.
Identifiers: ClinVar variation 637604 (VCV000637604.12), dbSNP rs878853697, ClinGen allele CA413501479.

ClinVar aggregate classification (germline): Conflicting classifications of pathogenicity. Review status: criteria provided, conflicting classifications (1 of 4 stars). 4 submissions from 4 submitters: Pathogenic (1); Uncertain significance (2). 1 of the submissions does not count toward it. Last evaluated 2025-04-14.

Conditions:
Charcot-Marie-Tooth Neuropathy X. Identifiers: MedGen CN118851.
Inborn genetic diseases. Identifiers: MedGen C0950123, MeSH D030342.
Charcot-Marie-Tooth disease. Also called: Charcot-Marie-Tooth Hereditary Neuropathy; Charcot-Marie-Tooth Neuropathy. Identifiers: Orphanet 166, MedGen C0007959, MONDO:0015626.

Submissions (4):

Athena Diagnostics
Classification: Uncertain significance. Last evaluated: 2025-04-14. Review status: criteria provided, single submitter. Criteria: Athena Diagnostics Criteria. Collection method: clinical testing. Allele origin: unknown.
Comment: Available data are insufficient to determine the clinical significance of the variant at this time. This variant has not been reported in large, multi-ethnic general populations. This variant has been identified in at least one individual with clinical features associated with this gene. Polyphen and MutationTaster predict this amino acid change may be damaging to the protein.

Labcorp Genetics (formerly Invitae), Labcorp
Classification: Pathogenic for Charcot-Marie-Tooth Neuropathy X. Last evaluated: 2021-04-29. Review status: criteria provided, single submitter. Criteria: Invitae Variant Classification Sherloc (09022015). Collection method: clinical testing. Allele origin: germline.
Comment: For these reasons, this variant has been classified as Pathogenic. This variant disrupts the p.Pro70 amino acid residue in GJB1. Other variant(s) that disrupt this residue have been determined to be pathogenic (PMID: 10873293, 21692908, Invitae). This suggests that this residue is clinically significant, and that variants that disrupt this residue are likely to be disease-causing. Advanced modeling of protein sequence and biophysical properties (such as structural, functional, and spatial information, amino acid conservation, physicochemical variation, residue mobility, and thermodynamic stability) performed at Invitae indicates that this missense variant is expected to disrupt GJB1 protein function. This variant has been observed in individual(s) with Charcot-Marie-Tooth disease (PMID: 18636082, Invitae). ClinVar contains an entry for this variant (Variation ID: 637604). This variant is not present in population databases (ExAC no frequency). This sequence change replaces proline with serine at codon 70 of the GJB1 protein (p.Pro70Ser). The proline residue is highly conserved and there is a moderate physicochemical difference between proline and serine.

Ambry Genetics
Classification: Uncertain significance for Inborn genetic diseases. Last evaluated: 2020-03-03. Review status: criteria provided, single submitter. Criteria: Ambry Variant Classification Scheme 2023. Collection method: clinical testing. Allele origin: germline.
Comment: The p.P70S variant (also known as c.208C>T), located in coding exon 1 of the GJB1 gene, results from a C to T substitution at nucleotide position 208. The proline at codon 70 is replaced by serine, an amino acid with similar properties. Additional alterations have also been reported at this amino acid position in patients with Charcot-Marie-Tooth neuropathy (Ionasescu VV. Cell Biol. Int., 1998 Nov;22:807-13; Karadima G et al. J. Neurol., 2006 Feb;253:263-4; Siskind CE et al. J. Peripher. Nerv. Syst., 2011 Jun;16:102-7). This amino acid position is highly conserved in available vertebrate species. In addition, this alteration is predicted to be deleterious by in silico analysis. Since supporting evidence is limited at this time, the clinical significance of this alteration remains unclear.

Inherited Neuropathy Consortium
Classification: Uncertain significance for Charcot-Marie-Tooth disease. Review status: no assertion criteria provided. Collection method: literature only. Allele origin: germline. Affected: yes. Not counted in ClinVar's aggregate classification.

Literature cited by the submitters: PubMed 18636082 (cited by 4 submitters); PubMed 37284795 (cited by Athena Diagnostics); PubMed 10873293 (cited by Labcorp Genetics (formerly Invitae), Labcorp and Ambry Genetics); PubMed 21692908 (cited by Labcorp Genetics (formerly Invitae), Labcorp and Ambry Genetics); PubMed 16096811 (cited by Ambry Genetics).